The following is an entry in ClinVar:

NM_203447.4(DOCK8):c.5491-4C>T

Gene: DOCK8 (dedicator of cytokinesis 8; plus strand). Cytogenetic location: 9p24.3.
Variant type: single nucleotide variant.
Coding change: c.5491-4C>T on transcript NM_203447.4 (MANE Select); 4 bases into the intron before coding-DNA position 5491, C replaced by T.
Molecular consequence: intron variant.
Genome position (GRCh38, 1-based): chr9:443,423, C>T. VCF-style: chr9-443423-C-T. GRCh37 (hg19) VCF-style: chr9-443423-C-T.
Other names: c.5287-4C>T (NM_001193536.2); c.5191-4C>T (NM_001190458.2).
Identifiers: ClinVar variation 444768 (VCV000444768.43), dbSNP rs780798376, ClinGen allele CA4959448.

ClinVar aggregate classification (germline): Uncertain significance (1 of 4 stars; one submission).

Allele frequency attached by ClinVar (database versions not stated): gnomAD 0.00001.

Submission:

CeGaT Center for Human Genetics Tuebingen
Classification: Uncertain significance. Last evaluated: 2023-03-01. Review status: criteria provided, single submitter. Criteria: CeGaT Center For Human Genetics Tuebingen Variant Classification Criteria Version 2. Collection method: clinical testing. Allele origin: germline. Affected: yes. Observed: 2 variant alleles.
Comment: DOCK8: PM2